The following is an entry in ClinVar:

ClinVar aggregate classification (germline): Uncertain significance. Review status: criteria provided, multiple submitters, no conflicts (2 of 4 stars). 2 submissions from 2 submitters: Uncertain significance (2). Last evaluated 2025-08-06.

gnomAD v4.1: 1 of 1,584,278 alleles (0.000063%); highest among the groups gnomAD compares: Non-Finnish European, 0.000086%; no homozygotes.

Submissions (2):

GeneDx
Classification: Uncertain significance. Last evaluated: 2025-08-06. Review status: criteria provided, single submitter. Criteria: GeneDx Variant Classification Process June 2021. Collection method: clinical testing. Allele origin: germline. Affected: yes.
Comment: Not observed at significant frequency in large population cohorts (gnomAD); In silico analysis supports that this missense variant has a deleterious effect on protein structure/function; Has not been previously published as pathogenic or benign to our knowledge

Ambry Genetics
Classification: Uncertain significance. Last evaluated: 2024-10-22. Review status: criteria provided, single submitter. Criteria: Ambry Variant Classification Scheme 2023. Collection method: clinical testing. Allele origin: germline.

NM_018897.3(DNAH7):c.5039C>T (p.Ser1680Phe)

Gene: DNAH7 (dynein axonemal heavy chain 7; minus strand). Cytogenetic location: 2q32.3.
Variant type: single nucleotide variant.
Coding change: c.5039C>T on transcript NM_018897.3 (MANE Select); coding-DNA position 5039, C replaced by T.
Protein change: p.Ser1680Phe; replaces serine 1680 with phenylalanine.
Molecular consequence: missense variant.
Genome position (GRCh38, 1-based): chr2:195,891,662, G>A on the plus strand (C>T on the coding strand, the complement: DNAH7 is on the minus strand). VCF-style: chr2-195891662-G-A. GRCh37 (hg19) VCF-style: chr2-196756386-G-A.
Other names: short protein forms S1680F.
Identifiers: ClinVar variation 3503677 (VCV003503677.2).